The following is an entry in ClinVar:

ClinVar aggregate classification (germline): Uncertain significance (1 of 4 stars; one submission).

Submission:

CeGaT Center for Human Genetics Tuebingen
Classification: Uncertain significance. Last evaluated: 2023-10-01. Review status: criteria provided, single submitter. Criteria: CeGaT Center For Human Genetics Tuebingen Variant Classification Criteria Version 2. Collection method: clinical testing. Allele origin: germline. Affected: yes. Observed: 2 variant alleles.
Comment: SCN1A: PM1, PM2

NM_001165963.4(SCN1A):c.4687G>C (p.Asp1563His)

Genes: SCN1A (sodium voltage-gated channel alpha subunit 1; minus strand), LOC102724058 (uncharacterized LOC102724058; plus strand). Cytogenetic location: 2q24.3.
Variant type: single nucleotide variant.
Coding change: c.4687G>C on transcript NM_001165963.4 (MANE Select); coding-DNA position 4687, G replaced by C.
Protein change: p.Asp1563His; replaces aspartic acid 1563 with histidine.
Molecular consequence: missense variant. On other transcripts: non-coding transcript variant (1).
Genome position (GRCh38, 1-based): chr2:165,994,311, C>G on the plus strand (G>C on the coding strand, the complement: SCN1A is on the minus strand). VCF-style: chr2-165994311-C-G. GRCh37 (hg19) VCF-style: chr2-166850821-C-G.
Other names: c.4654G>C, p.Asp1552His (NM_006920.6, NM_001353949.2, NM_001353950.2 and 2 more transcripts); c.4603G>C, p.Asp1535His (NM_001165964.3, NM_001353957.2, NM_001353958.2); c.4687G>C, p.Asp1563His (NM_001202435.3, NM_001353948.2); c.4651G>C, p.Asp1551His (NM_001353954.2, NM_001353955.2); c.4600G>C, p.Asp1534His (NM_001353960.2); c.2245G>C, p.Asp749His (NM_001353961.2); short protein forms D1534H, D1535H, D1551H, D1552H, D1563H, D749H.
Identifiers: ClinVar variation 2651496 (VCV002651496.24), dbSNP rs2468360356, ClinGen allele CA349072056.